The following is an entry in ClinVar:

NC_000001.11:g.(?_113895055)_(113900410_?)dup

Gene: AP4B1 (adaptor related protein complex 4 subunit beta 1; minus strand). Cytogenetic location: 1p13.2.
Variant type: Duplication.
Identifiers: ClinVar variation 833315 (VCV000833315.3).

ClinVar aggregate classification (germline): Uncertain significance (1 of 4 stars; one submission).

Conditions:
Hereditary spastic paraplegia 47. Also called: CEREBRAL PALSY, SPASTIC QUADRIPLEGIC, 5; adaptor protein 4 (AP-4) deficiency syndrome; Spastic paraplegia 47, autosomal recessive. Identifiers: Orphanet 280763, MedGen C3279738, MONDO:0013551, OMIM 614066.

Submission:

Labcorp Genetics (formerly Invitae), Labcorp
Classification: Uncertain significance for Hereditary spastic paraplegia 47. Last evaluated: 2019-09-07. Review status: criteria provided, single submitter. Criteria: Invitae Variant Classification Sherloc (09022015). Collection method: clinical testing. Allele origin: germline.
Comment: This variant results in a copy number gain of the genomic region encompassing exons 6-11 of the AP4B1 gene. The 5' boundary is likely confined to intron 5. The 3' end of this event is unknown as it extends beyond the assayed region for this gene and therefore may encompass additional genes. As the precise location of this event is unknown, it may be in tandem or it may be located elsewhere in the genome. This variant has not been reported in the literature in individuals with AP4B1-related conditions. In summary, the available evidence is currently insufficient to determine the role of this variant in disease. Therefore, it has been classified as a Variant of Uncertain Significance.